The following is an entry in ClinVar:

ClinVar aggregate classification (germline): Uncertain significance (1 of 4 stars; one submission).

Conditions:
Primary immunodeficiency with post-measles-mumps-rubella vaccine viral infection. Also called: Immunodeficiency 44. Identifiers: Orphanet 431166, MedGen C4225260, MONDO:0014715, OMIM 616636.

Allele frequency attached by ClinVar (database versions not stated): gnomAD exomes below 0.00001; gnomAD 0.00001; TOPMed 0.00001.
gnomAD v4.1: 3 of 1,614,048 alleles (0.00019%); highest among the groups gnomAD compares: Non-Finnish European, 0.00025%; no homozygotes.

Submission:

Labcorp Genetics (formerly Invitae), Labcorp
Classification: Uncertain significance for Primary immunodeficiency with post-measles-mumps-rubella vaccine viral infection. Last evaluated: 2022-12-06. Review status: criteria provided, single submitter. Criteria: Invitae Variant Classification Sherloc (09022015). Collection method: clinical testing. Allele origin: germline.
Comment: In summary, the available evidence is currently insufficient to determine the role of this variant in disease. Therefore, it has been classified as a Variant of Uncertain Significance. Advanced modeling of protein sequence and biophysical properties (such as structural, functional, and spatial information, amino acid conservation, physicochemical variation, residue mobility, and thermodynamic stability) performed at Invitae indicates that this missense variant is not expected to disrupt STAT2 protein function. ClinVar contains an entry for this variant (Variation ID: 841557). This variant has not been reported in the literature in individuals affected with STAT2-related conditions. This variant is not present in population databases (gnomAD no frequency). This sequence change replaces arginine, which is basic and polar, with glutamine, which is neutral and polar, at codon 687 of the STAT2 protein (p.Arg687Gln).

NM_005419.4(STAT2):c.2060G>A (p.Arg687Gln)

Gene: STAT2 (signal transducer and activator of transcription 2; minus strand). Cytogenetic location: 12q13.3.
Variant type: single nucleotide variant.
Coding change: c.2060G>A on transcript NM_005419.4 (MANE Select); coding-DNA position 2060, G replaced by A.
Protein change: p.Arg687Gln; replaces arginine 687 with glutamine.
Molecular consequence: missense variant.
Genome position (GRCh38, 1-based): chr12:56,346,188, C>T on the plus strand (G>A on the coding strand, the complement: STAT2 is on the minus strand). VCF-style: chr12-56346188-C-T. GRCh37 (hg19) VCF-style: chr12-56739972-C-T.
Other names: c.2048G>A, p.Arg683Gln (NM_198332.2); short protein forms R683Q, R687Q.
Identifiers: ClinVar variation 841557 (VCV000841557.9), dbSNP rs1196807040, ClinGen allele CA385259444.